The following is an entry in ClinVar:

NM_012431.3(SEMA3E):c.2253T>G (p.Tyr751Ter)

Gene: SEMA3E (semaphorin 3E; minus strand). Cytogenetic location: 7q21.11.
Variant type: single nucleotide variant.
Coding change: c.2253T>G on transcript NM_012431.3 (MANE Select); coding-DNA position 2253, T replaced by G.
Protein change: p.Tyr751Ter; replaces tyrosine 751 with a stop codon.
Molecular consequence: nonsense.
Genome position (GRCh38, 1-based): chr7:83,367,661, A>C on the plus strand (T>G on the coding strand, the complement: SEMA3E is on the minus strand). VCF-style: chr7-83367661-A-C. GRCh37 (hg19) VCF-style: chr7-82996977-A-C.
Other names: c.2073T>G, p.Tyr691Ter (NM_001178129.2); short protein forms Y691*, Y751*.
Identifiers: ClinVar variation 3349791 (VCV003349791.1).

ClinVar aggregate classification (germline): Uncertain significance (0 of 4 stars; one submission).

Conditions:
SEMA3E-related disorder. Also called: SEMA3E-related condition.

Submission:

PreventionGenetics, part of Exact Sciences
Classification: Uncertain significance for SEMA3E-related condition. Last evaluated: 2023-11-17. Review status: no assertion criteria provided. Collection method: clinical testing. Allele origin: germline.
Comment: The SEMA3E c.2253T>G variant is predicted to result in premature protein termination (p.Tyr751*). To our knowledge, this variant has not been reported in the literature or in a large population database, indicating this variant is rare. This variant is located near the end of the terminal exon of the SEMA3E gene, and early termination changes are also well tolerated in this gene overall. At this time, the clinical significance of this variant is uncertain due to the absence of conclusive functional and genetic evidence.